The following is an entry in ClinVar:

ClinVar aggregate classification (germline): Uncertain significance (1 of 4 stars; one submission).

Conditions:
Cardiac arrhythmia. Also called: Arrhythmia; Cardiac rhythm disease. Identifiers: MedGen C0003811, MONDO:0007263, HP:0011675.

gnomAD v4.1: 3 of 1,556,676 alleles (0.00019%); highest among the groups gnomAD compares: South Asian, 0.0024%; no homozygotes.

Submission:

Color Diagnostics, LLC DBA Color Health
Classification: Uncertain significance for Cardiac arrhythmia. Last evaluated: 2025-08-22. Review status: criteria provided, single submitter. Criteria: ACMG Guidelines, 2015. Collection method: clinical testing. Allele origin: germline.
Comment: This missense variant replaces alanine with threonine at codon 1124 of the KCNH2 protein. Computational prediction suggests that this variant may not impact protein structure and function. To our knowledge, functional studies have not been reported for this variant. This variant has not been reported in individuals affected with KCNH2-related disorders in the literature. This variant has not been identified in the general population by the Genome Aggregation Database (gnomAD). The available evidence is insufficient to determine the role of this variant in disease conclusively. Therefore, this variant is classified as a Variant of Uncertain Significance.

NM_000238.4(KCNH2):c.3370G>A (p.Ala1124Thr)

Gene: KCNH2 (potassium voltage-gated channel subfamily H member 2; minus strand). Cytogenetic location: 7q36.1.
Variant type: single nucleotide variant.
Coding change: c.3370G>A on transcript NM_000238.4 (MANE Select); coding-DNA position 3370, G replaced by A.
Protein change: p.Ala1124Thr; replaces alanine 1124 with threonine.
Molecular consequence: missense variant. On other transcripts: non-coding transcript variant (2).
Genome position (GRCh38, 1-based): chr7:150,945,475, C>T on the plus strand (G>A on the coding strand, the complement: KCNH2 is on the minus strand). VCF-style: chr7-150945475-C-T. GRCh37 (hg19) VCF-style: chr7-150642563-C-T.
Other names: c.3082G>A, p.Ala1028Thr (NM_001406753.1); c.2350G>A, p.Ala784Thr (NM_172057.3); short protein forms A1028T, A1124T, A784T.
Identifiers: ClinVar variation 4756153 (VCV004756153.1).